The following is an entry in ClinVar:

ClinVar aggregate classification (germline): Benign/Likely benign. Review status: criteria provided, multiple submitters, no conflicts (2 of 4 stars). 3 submissions from 3 submitters: Benign (1); Likely benign (1). 1 of the submissions does not count toward it. Last evaluated 2024-01-01.

Conditions:
Congenital fibrosis of extraocular muscles type 1. Also called: OPHTHALMOPLEGIA, CONGENITAL; BLEPHAROPTOSIS WITH ABSENT EYE MOVEMENTS; CFEOM3B; FEOM1 LOCUS. Identifiers: MedGen C1851102, MONDO:0021083, OMIM 135700.
KIF21A-related disorder. Also called: KIF21A-related condition.

Allele frequency attached by ClinVar (database versions not stated): 1000 Genomes Project 30x 0.00031; 1000 Genomes Project 0.00040; gnomAD 0.00092; TOPMed 0.00095; ESP Exome Variant Server 0.00138.

Submissions (3):

CeGaT Center for Human Genetics Tuebingen
Classification: Likely benign. Last evaluated: 2024-01-01. Review status: criteria provided, single submitter. Criteria: CeGaT Center For Human Genetics Tuebingen Variant Classification Criteria Version 2. Collection method: clinical testing. Allele origin: germline. Affected: yes. Observed: 1 variant allele.
Comment: KIF21A: BP4

Illumina Laboratory Services, Illumina
Classification: Benign for Congenital fibrosis of extraocular muscles type 1. Last evaluated: 2018-01-13. Review status: criteria provided, single submitter. Criteria: ICSL Variant Classification Criteria 13 December 2019. Collection method: clinical testing. Allele origin: germline.
Comment: This variant was observed in the ICSL laboratory as part of a predisposition screen in an ostensibly healthy population. It had not been previously curated by ICSL or reported in the Human Gene Mutation Database (HGMD: prior to June 1st, 2018), and was therefore a candidate for classification through an automated scoring system. Utilizing variant allele frequency, disease prevalence and penetrance estimates, and inheritance mode, an automated score was calculated to assess if this variant is too frequent to cause the disease. Based on the score and internal cut-off values, a variant classified as benign is not then subjected to further curation. The score for this variant resulted in a classification of benign for this disease.

PreventionGenetics, part of Exact Sciences
Classification: Likely benign for KIF21A-related condition. Last evaluated: 2023-05-10. Review status: no assertion criteria provided. Collection method: clinical testing. Allele origin: germline. Not counted in ClinVar's aggregate classification.
Comment: This variant is classified as likely benign based on ACMG/AMP sequence variant interpretation guidelines (Richards et al. 2015 PMID: 25741868, with internal and published modifications).

NM_001173464.2(KIF21A):c.3641C>G (p.Pro1214Arg)

Gene: KIF21A (kinesin family member 21A; minus strand). Cytogenetic location: 12q12.
Variant type: single nucleotide variant.
Coding change: c.3641C>G on transcript NM_001173464.2 (MANE Select); coding-DNA position 3641, C replaced by G.
Protein change: p.Pro1214Arg; replaces proline 1214 with arginine.
Molecular consequence: missense variant.
Genome position (GRCh38, 1-based): chr12:39,322,698, G>C on the plus strand (C>G on the coding strand, the complement: KIF21A is on the minus strand). VCF-style: chr12-39322698-G-C. GRCh37 (hg19) VCF-style: chr12-39716500-G-C.
Other names: c.3581C>G, p.Pro1194Arg (NM_001173463.2); c.3533C>G, p.Pro1178Arg (NM_001173465.2); c.3602C>G, p.Pro1201Arg (NM_017641.4); c.3641C>G (NM_001173464.1); short protein forms P1214R, P1201R, P1194R, P1178R.
Identifiers: ClinVar variation 308558 (VCV000308558.28), dbSNP rs149075970, ClinGen allele CA6510462.